The following is an entry in ClinVar:

NM_000350.3(ABCA4):c.6301A>T (p.Met2101Leu)

Gene: ABCA4 (ATP binding cassette subfamily A member 4; minus strand). Cytogenetic location: 1p22.1.
Variant type: single nucleotide variant.
Coding change: c.6301A>T on transcript NM_000350.3 (MANE Select); coding-DNA position 6301, A replaced by T.
Protein change: p.Met2101Leu; replaces methionine 2101 with leucine.
Molecular consequence: missense variant.
Genome position (GRCh38, 1-based): chr1:94,001,087, T>A on the plus strand (A>T on the coding strand, the complement: ABCA4 is on the minus strand). VCF-style: chr1-94001087-T-A. GRCh37 (hg19) VCF-style: chr1-94466643-T-A.
Other names: c.6079A>T, p.Met2027Leu (NM_001425324.1); short protein forms M2101L, M2027L.
Identifiers: ClinVar variation 1513044 (VCV001513044.11), dbSNP rs1291006472, ClinGen allele CA341277599.

ClinVar aggregate classification (germline): Uncertain significance. Review status: criteria provided, multiple submitters, no conflicts (2 of 4 stars). 3 submissions from 3 submitters: Uncertain significance (2). 1 of the submissions does not count toward it. Last evaluated 2024-02-24.

Conditions:
ABCA4-related disorder. Also called: ABCA4-related disorders; ABCA4-related condition. Identifiers: MedGen CN239167.

Allele frequency attached by ClinVar (database versions not stated): gnomAD 0.00001; TOPMed 0.00001.
gnomAD v4.1: 30 of 1,613,826 alleles (0.0019%); highest among the groups gnomAD compares: Non-Finnish European, 0.0025%; no homozygotes.

Submissions (3):

Labcorp Genetics (formerly Invitae), Labcorp
Classification: Uncertain significance. Last evaluated: 2024-02-24. Review status: criteria provided, single submitter. Criteria: Invitae Variant Classification Sherloc (09022015). Collection method: clinical testing. Allele origin: germline.
Comment: This sequence change replaces methionine, which is neutral and non-polar, with leucine, which is neutral and non-polar, at codon 2101 of the ABCA4 protein (p.Met2101Leu). This variant is not present in population databases (gnomAD no frequency). This variant has not been reported in the literature in individuals affected with ABCA4-related conditions. ClinVar contains an entry for this variant (Variation ID: 1513044). Advanced modeling of protein sequence and biophysical properties (such as structural, functional, and spatial information, amino acid conservation, physicochemical variation, residue mobility, and thermodynamic stability) performed at Invitae indicates that this missense variant is expected to disrupt ABCA4 protein function with a positive predictive value of 95%. In summary, the available evidence is currently insufficient to determine the role of this variant in disease. Therefore, it has been classified as a Variant of Uncertain Significance.

Blueprint Genetics
Classification: Uncertain significance. Last evaluated: 2022-11-14. Review status: criteria provided, single submitter. Criteria: ACMG Guidelines, 2015. Collection method: clinical testing. Allele origin: germline.

PreventionGenetics, part of Exact Sciences
Classification: Uncertain significance for ABCA4-related condition. Last evaluated: 2024-02-22. Review status: no assertion criteria provided. Collection method: clinical testing. Allele origin: germline. Not counted in ClinVar's aggregate classification.
Comment: The ABCA4 c.6301A>T variant is predicted to result in the amino acid substitution p.Met2101Leu. To our knowledge, this variant has not been reported in the literature or in a large population database, indicating this variant is rare. At this time, the clinical significance of this variant is uncertain due to the absence of conclusive functional and genetic evidence.